The following is an entry in ClinVar:

NM_004304.5(ALK):c.430G>A (p.Glu144Lys)

Gene: ALK (ALK receptor tyrosine kinase; minus strand). Cytogenetic location: 2p23.1.
Variant type: single nucleotide variant.
Coding change: c.430G>A on transcript NM_004304.5 (MANE Select); coding-DNA position 430, G replaced by A.
Protein change: p.Glu144Lys; replaces glutamic acid 144 with lysine.
Molecular consequence: missense variant.
Genome position (GRCh38, 1-based): chr2:29,920,230, C>T on the plus strand (G>A on the coding strand, the complement: ALK is on the minus strand). VCF-style: chr2-29920230-C-T. GRCh37 (hg19) VCF-style: chr2-30143096-C-T.
Other names: short protein forms E144K.
Identifiers: ClinVar variation 3667495 (VCV003667495.2).

ClinVar aggregate classification (germline): Uncertain significance (1 of 4 stars; one submission).

Conditions:
Neuroblastoma, susceptibility to, 3. Also called: ALK-Related Neuroblastic Tumor Susceptibility. Identifiers: Orphanet 635, MedGen C2751681, MONDO:0013083, OMIM 613014.

Submission:

Labcorp Genetics (formerly Invitae), Labcorp
Classification: Uncertain significance for Neuroblastoma, susceptibility to, 3. Last evaluated: 2025-04-03. Review status: criteria provided, single submitter. Criteria: Invitae Variant Classification Sherloc (09022015). Collection method: clinical testing. Allele origin: germline.
Comment: This sequence change replaces glutamic acid, which is acidic and polar, with lysine, which is basic and polar, at codon 144 of the ALK protein (p.Glu144Lys). This variant is not present in population databases (gnomAD no frequency). This variant has not been reported in the literature in individuals affected with ALK-related conditions. ClinVar contains an entry for this variant (Variation ID: 3667495). An algorithm developed to predict the effect of missense changes on protein structure and function (PolyPhen-2) suggests that this variant is likely to be disruptive. In summary, the available evidence is currently insufficient to determine the role of this variant in disease. Therefore, it has been classified as a Variant of Uncertain Significance.